The following is an entry in ClinVar:

NM_002734.5(PRKAR1A):c.302G>A (p.Ser101Asn)

Gene: PRKAR1A (protein kinase cAMP-dependent type I regulatory subunit alpha; plus strand). Cytogenetic location: 17q24.2.
Variant type: single nucleotide variant.
Coding change: c.302G>A on transcript NM_002734.5 (MANE Select); coding-DNA position 302, G replaced by A.
Protein change: p.Ser101Asn; replaces serine 101 with asparagine.
Molecular consequence: missense variant.
Genome position (GRCh38, 1-based): chr17:68,522,880, G>A. VCF-style: chr17-68522880-G-A. GRCh37 (hg19) VCF-style: chr17-66519021-G-A.
Other names: c.302G>A, p.Ser101Asn (NM_001276289.2, NM_001276290.1, NM_001278433.2 and 4 more transcripts); c.302G>A (NM_002734.3); short protein forms S101N.
Identifiers: ClinVar variation 2758725 (VCV002758725.4), dbSNP rs2509399353, ClinGen allele CA400752420.

ClinVar aggregate classification (germline): Uncertain significance. Review status: criteria provided, multiple submitters, no conflicts (2 of 4 stars). 2 submissions from 2 submitters: Uncertain significance (2). Last evaluated 2023-10-27.

Conditions:
Carney complex, type 1 (CNC1). Also called: CARNEY COMPLEX, TYPE I; CARNEY MYXOMA-ENDOCRINE COMPLEX. Identifiers: Orphanet 1359, MedGen C2607929, MONDO:0008057, OMIM 160980.
Hereditary cancer-predisposing syndrome. Also called: Neoplastic Syndromes, Hereditary; Hereditary Cancer Syndrome; Hereditary neoplastic syndrome; Tumor predisposition. Identifiers: Orphanet 140162, MedGen C0027672, MeSH D009386, MONDO:0015356.

Submissions (2):

Ambry Genetics
Classification: Uncertain significance for Hereditary cancer-predisposing syndrome. Last evaluated: 2023-10-27. Review status: criteria provided, single submitter. Criteria: Ambry Variant Classification Scheme 2023. Collection method: clinical testing. Allele origin: germline.
Comment: The p.S101N variant (also known as c.302G>A), located in coding exon 2 of the PRKAR1A gene, results from a G to A substitution at nucleotide position 302. The serine at codon 101 is replaced by asparagine, an amino acid with highly similar properties. This amino acid position is conserved. In addition, the in silico prediction for this alteration is inconclusive. Since supporting evidence is limited at this time, the clinical significance of this alteration remains unclear.

Labcorp Genetics (formerly Invitae), Labcorp
Classification: Uncertain significance for Carney complex, type 1. Last evaluated: 2023-09-08. Review status: criteria provided, single submitter. Criteria: Invitae Variant Classification Sherloc (09022015). Collection method: clinical testing. Allele origin: germline.
Comment: In summary, the available evidence is currently insufficient to determine the role of this variant in disease. Therefore, it has been classified as a Variant of Uncertain Significance. Advanced modeling of protein sequence and biophysical properties (such as structural, functional, and spatial information, amino acid conservation, physicochemical variation, residue mobility, and thermodynamic stability) performed at Invitae indicates that this missense variant is expected to disrupt PRKAR1A protein function. This variant has not been reported in the literature in individuals affected with PRKAR1A-related conditions. This variant is not present in population databases (gnomAD no frequency). This sequence change replaces serine, which is neutral and polar, with asparagine, which is neutral and polar, at codon 101 of the PRKAR1A protein (p.Ser101Asn).